The following is an entry in ClinVar:

ClinVar aggregate classification (germline): Uncertain significance. Review status: criteria provided, multiple submitters, no conflicts (2 of 4 stars). 2 submissions from 2 submitters: Uncertain significance (2). Last evaluated 2024-11-03.

Conditions:
Gastrointestinal stromal tumor. Also called: Gastrointestinal stroma tumor; Gastrointestinal stromal tumor, somatic. Identifiers: Orphanet 44890, MedGen C0238198, MeSH D046152, MONDO:0011719, OMIM 606764, HP:0100723.
Pheochromocytoma/paraganglioma syndrome 3. Also called: GLOMUS TUMORS, FAMILIAL, 3; SDHC-Related Hereditary Paraganglioma-Pheochromocytoma Syndrome; Paragangliomas 3; SDHC-Related Hereditary Paraganglioma-Pheochromocytoma Syndrome (Paragangliomas 3). Identifiers: Orphanet 29072, MedGen C1854336, MONDO:0011544, OMIM 605373.
Hereditary cancer-predisposing syndrome. Also called: Hereditary neoplastic syndrome; Tumor predisposition; Hereditary Cancer Syndrome; Neoplastic Syndromes, Hereditary. Identifiers: Orphanet 140162, MedGen C0027672, MeSH D009386, MONDO:0015356.

Submissions (2):

Ambry Genetics
Classification: Uncertain significance for Hereditary cancer-predisposing syndrome. Last evaluated: 2024-11-03. Review status: criteria provided, single submitter. Criteria: Ambry Variant Classification Scheme 2023. Collection method: clinical testing. Allele origin: germline.
Comment: The p.E97G variant (also known as c.290A>G), located in coding exon 5 of the SDHC gene, results from an A to G substitution at nucleotide position 290. The glutamic acid at codon 97 is replaced by glycine, an amino acid with similar properties. This amino acid position is conserved. In addition, this alteration is predicted to be deleterious by in silico analysis. Based on the available evidence, the clinical significance of this variant remains unclear.

Labcorp Genetics (formerly Invitae), Labcorp
Classification: Uncertain significance for Pheochromocytoma/paraganglioma syndrome 3; Gastrointestinal stromal tumor. Last evaluated: 2021-06-27. Review status: criteria provided, single submitter. Criteria: Invitae Variant Classification Sherloc (09022015). Collection method: clinical testing. Allele origin: germline.
Comment: In summary, the available evidence is currently insufficient to determine the role of this variant in disease. Therefore, it has been classified as a Variant of Uncertain Significance. Advanced modeling of protein sequence and biophysical properties (such as structural, functional, and spatial information, amino acid conservation, physicochemical variation, residue mobility, and thermodynamic stability) performed at Invitae indicates that this missense variant is expected to disrupt SDHC protein function. This variant has not been reported in the literature in individuals affected with SDHC-related conditions. This variant is not present in population databases (ExAC no frequency). This sequence change replaces glutamic acid with glycine at codon 97 of the SDHC protein (p.Glu97Gly). The glutamic acid residue is weakly conserved and there is a moderate physicochemical difference between glutamic acid and glycine.

NM_003001.5(SDHC):c.290A>G (p.Glu97Gly)

Gene: SDHC (succinate dehydrogenase complex subunit C; plus strand). Cytogenetic location: 1q23.3.
Variant type: single nucleotide variant.
Coding change: c.290A>G on transcript NM_003001.5 (MANE Select); coding-DNA position 290, A replaced by G.
Protein change: p.Glu97Gly; replaces glutamic acid 97 with glycine.
Molecular consequence: missense variant. On other transcripts: non-coding transcript variant (1), intron variant (3).
Genome position (GRCh38, 1-based): chr1:161,356,725, A>G. VCF-style: chr1-161356725-A-G. GRCh37 (hg19) VCF-style: chr1-161326515-A-G.
Other names: c.188A>G, p.Glu63Gly (NM_001035512.3); c.131A>G, p.Glu44Gly (NM_001035513.3); c.410A>G, p.Glu137Gly (NM_001407115.1); c.233A>G, p.Glu78Gly (NM_001407116.1); c.227A>G, p.Glu76Gly (NM_001407117.1); c.182A>G, p.Glu61Gly (NM_001407118.1); c.179A>G, p.Glu60Gly (NM_001407119.1, NM_001407120.1); c.242-5604A>G (NM_001035511.3); and 2 more; short protein forms E63G, E97G, E44G, E76G, E78G, E137G, E60G, E61G.
Identifiers: ClinVar variation 1445243 (VCV001445243.10), dbSNP rs1672286669, ClinGen allele CA343456372.